The following is an entry in ClinVar:

ClinVar aggregate classification (germline): Pathogenic/Likely pathogenic. Review status: criteria provided, multiple submitters, no conflicts (2 of 4 stars). 3 submissions from 3 submitters: Pathogenic (2); Likely pathogenic (1). Last evaluated 2022-02-09.

Conditions:
Miyoshi muscular dystrophy 1 (MMD1). Identifiers: Orphanet 45448, MedGen C4551973, MONDO:0024545, OMIM 254130.
Autosomal recessive limb-girdle muscular dystrophy. Identifiers: Orphanet 102015, MedGen C2931907, MONDO:0015152.

Submissions (3):

Baylor Genetics
Classification: Pathogenic for Miyoshi muscular dystrophy 1. Last evaluated: 2022-02-09. Review status: criteria provided, single submitter. Criteria: ACMG Guidelines, 2015. Collection method: clinical testing. Allele origin: unknown.

Myriad Genetics, Inc.
Classification: Likely pathogenic for Autosomal recessive limb-girdle muscular dystrophy. Last evaluated: 2019-07-26. Review status: criteria provided, single submitter. Criteria: Myriad Autosomal Dominant, Autosomal Recessive and X-Linked Classification Criteria (2023). Collection method: clinical testing. Allele origin: unknown.
Comment: NM_003494.3(DYSF):c.3618C>A(Y1206*) is expected to be pathogenic in the context of dysferlinopathy. This variant is predicted to lead to an abnormal or absent protein product due to the creation of a premature termination codon in DYSF, a gene where loss-of-function variants are known to be pathogenic. Please note: this variant was assessed in the context of healthy population screening.

Revvity Omics, Revvity
Classification: Pathogenic. Last evaluated: 2019-07-22. Review status: criteria provided, single submitter. Criteria: ACMG Guidelines, 2015. Collection method: clinical testing. Allele origin: germline.

NM_001130987.2(DYSF):c.3672C>A (p.Tyr1224Ter)

Gene: DYSF (dysferlin; plus strand). Cytogenetic location: 2p13.2.
Variant type: single nucleotide variant.
Coding change: c.3672C>A on transcript NM_001130987.2 (MANE Select); coding-DNA position 3672, C replaced by A.
Protein change: p.Tyr1224Ter; replaces tyrosine 1224 with a stop codon.
Molecular consequence: nonsense.
Genome position (GRCh38, 1-based): chr2:71,598,661, C>A. VCF-style: chr2-71598661-C-A. GRCh37 (hg19) VCF-style: chr2-71825791-C-A.
Other names: c.3621C>A, p.Tyr1207Ter (NM_001130455.2, NM_001130983.2); c.3576C>A, p.Tyr1192Ter (NM_001130976.2, NM_001130977.2); c.3618C>A, p.Tyr1206Ter (NM_001130978.2, NM_003494.4); c.3711C>A, p.Tyr1237Ter (NM_001130979.2); c.3669C>A, p.Tyr1223Ter (NM_001130980.2, NM_001130981.2); c.3714C>A, p.Tyr1238Ter (NM_001130982.2); c.3579C>A, p.Tyr1193Ter (NM_001130984.2, NM_001130986.2); c.3672C>A, p.Tyr1224Ter (NM_001130985.2); short protein forms Y1192*, Y1193*, Y1206*, Y1207*, Y1223*, Y1224*, Y1237*, Y1238*.
Identifiers: ClinVar variation 983964 (VCV000983964.9), dbSNP rs143393575, ClinGen allele CA347224044.